The following is an entry in ClinVar:

ClinVar aggregate classification (germline): Benign. Review status: criteria provided, multiple submitters, no conflicts (2 of 4 stars). 2 submissions from 2 submitters: Benign (2). Last evaluated 2018-06-16.

Allele frequency attached by ClinVar (database versions not stated): gnomAD exomes 0.07221; gnomAD 0.21368 and 0.22420; 1000 Genomes Project 0.23103; TOPMed 0.23316; 1000 Genomes Project 30x 0.24407.
gnomAD v4.1: 118,616 of 1,331,428 alleles (8.9%); highest among the groups gnomAD compares: African/African-American, 59%; 14,198 homozygotes.

Submissions (2):

GeneDx
Classification: Benign. Last evaluated: 2018-06-16. Review status: criteria provided, single submitter. Criteria: GeneDx Variant Classification (06012015). Collection method: clinical testing. Allele origin: germline. Affected: yes.
Comment: This variant is considered likely benign or benign based on one or more of the following criteria: it is a conservative change, it occurs at a poorly conserved position in the protein, it is predicted to be benign by multiple in silico algorithms, and/or has population frequency not consistent with disease.

Breakthrough Genomics
Classification: Benign. Review status: criteria provided, single submitter. Criteria: ACMG Guidelines, 2015. Collection method: not provided. Allele origin: germline. Inheritance: Autosomal recessive inheritance. Affected: yes.

NM_031475.3(ESPN):c.1465-76A>G

Gene: ESPN (espin; plus strand). Cytogenetic location: 1p36.31.
Variant type: single nucleotide variant.
Coding change: c.1465-76A>G on transcript NM_031475.3 (MANE Select); 76 bases into the intron before coding-DNA position 1465, A replaced by G.
Molecular consequence: intron variant.
Genome position (GRCh38, 1-based): chr1:6,448,565, A>G. VCF-style: chr1-6448565-A-G. GRCh37 (hg19) VCF-style: chr1-6508625-A-G.
Other names: c.1465-76A>G (NM_001367474.1, NM_001367473.1).
Identifiers: ClinVar variation 682926 (VCV000682926.2), dbSNP rs149033367, ClinGen allele CA10798729.
Genomic context (GRCh38, chr1:6,448,565, plus strand): 5'-GTCTAGGAAGTCAGCTGCTGCACCCCTCGACGGCCGCTGGCCGCGAGTCCCCAGGAGGTG[A>G]AGAGCTGGGTGGGGAGGCGTGGGGGGCGCCTACCGGGCAGGTGCCCGAGCCCCACCGGTC-3'